The following is an entry in ClinVar:

ClinVar aggregate classification (germline): Uncertain significance. Review status: criteria provided, multiple submitters, no conflicts (2 of 4 stars). 3 submissions from 3 submitters: Uncertain significance (3). Last evaluated 2025-12-03.

Conditions:
Charcot-Marie-Tooth disease. Also called: Charcot-Marie-Tooth Hereditary Neuropathy; Charcot-Marie-Tooth Neuropathy. Identifiers: Orphanet 166, MedGen C0007959, MONDO:0015626.
Inborn genetic diseases. Identifiers: MedGen C0950123, MeSH D030342.
Charcot-Marie-Tooth disease type 4. Also called: Charcot-Marie-Tooth disease, type IV; Charcot-Marie-Tooth, Type 4. Identifiers: Orphanet 64749, MedGen C4082197, MONDO:0018995.

Allele frequency attached by ClinVar (database versions not stated): ExAC 0.00001; gnomAD exomes 0.00001 and below 0.00001; TOPMed below 0.00001.
gnomAD v4.1: 12 of 1,333,480 alleles (0.0009%); highest among the groups gnomAD compares: Non-Finnish European, 0.0013%; no homozygotes.

Submissions (3):

Ambry Genetics
Classification: Uncertain significance for Inborn genetic diseases. Last evaluated: 2025-12-03. Review status: criteria provided, single submitter. Criteria: Ambry Variant Classification Scheme 2023. Collection method: clinical testing. Allele origin: germline.

Labcorp Genetics (formerly Invitae), Labcorp
Classification: Uncertain significance for Charcot-Marie-Tooth disease type 4. Last evaluated: 2024-10-28. Review status: criteria provided, single submitter. Criteria: Invitae Variant Classification Sherloc (09022015). Collection method: clinical testing. Allele origin: germline.
Comment: This sequence change replaces lysine, which is basic and polar, with glutamic acid, which is acidic and polar, at codon 349 of the SBF2 protein (p.Lys349Glu). This variant is present in population databases (rs746685729, gnomAD 0.0009%). This variant has not been reported in the literature in individuals affected with SBF2-related conditions. ClinVar contains an entry for this variant (Variation ID: 403855). Invitae Evidence Modeling of protein sequence and biophysical properties (such as structural, functional, and spatial information, amino acid conservation, physicochemical variation, residue mobility, and thermodynamic stability) indicates that this missense variant is not expected to disrupt SBF2 protein function with a negative predictive value of 80%. In summary, the available evidence is currently insufficient to determine the role of this variant in disease. Therefore, it has been classified as a Variant of Uncertain Significance.

Molecular Genetics Laboratory, London Health Sciences Centre
Classification: Uncertain significance for Charcot-Marie-Tooth disease. Review status: criteria provided, single submitter. Criteria: ACMG Guidelines, 2015. Collection method: clinical testing. Allele origin: germline. Affected: yes.

NM_030962.4(SBF2):c.1045A>G (p.Lys349Glu)

Gene: SBF2 (SET binding factor 2; minus strand). Cytogenetic location: 11p15.4.
Variant type: single nucleotide variant.
Coding change: c.1045A>G on transcript NM_030962.4 (MANE Select); coding-DNA position 1045, A replaced by G.
Protein change: p.Lys349Glu; replaces lysine 349 with glutamic acid.
Molecular consequence: missense variant.
Genome position (GRCh38, 1-based): chr11:9,993,929, T>C on the plus strand (A>G on the coding strand, the complement: SBF2 is on the minus strand). VCF-style: chr11-9993929-T-C. GRCh37 (hg19) VCF-style: chr11-10015476-T-C.
Other names: c.1045A>G, p.Lys349Glu (NM_001386342.1, NM_001386339.1); short protein forms K349E.
Identifiers: ClinVar variation 403855 (VCV000403855.9), dbSNP rs746685729, ClinGen allele CA5881933.